The following is an entry in ClinVar:

NM_003978.5(PSTPIP1):c.929+5G>A

Gene: PSTPIP1 (proline-serine-threonine phosphatase interacting protein 1; plus strand). Cytogenetic location: 15q24.3.
Variant type: single nucleotide variant.
Coding change: c.929+5G>A on transcript NM_003978.5 (MANE Select); 5 bases into the intron after coding-DNA position 929, G replaced by A.
Molecular consequence: intron variant.
Genome position (GRCh38, 1-based): chr15:77,032,957, G>A. VCF-style: chr15-77032957-G-A. GRCh37 (hg19) VCF-style: chr15-77325298-G-A.
Other names: c.1124+5G>A (NM_001321137.1); c.902+5G>A (NM_001321136.2); c.872+529G>A (NM_001321135.2).
Identifiers: ClinVar variation 1435760 (VCV001435760.7), dbSNP rs768632688, ClinGen allele CA7676069.

ClinVar aggregate classification (germline): Uncertain significance. Review status: criteria provided, multiple submitters, no conflicts (2 of 4 stars). 2 submissions from 2 submitters: Uncertain significance (2). Last evaluated 2026-01-09.

Conditions:
Pyogenic arthritis-pyoderma gangrenosum-acne syndrome (PAPA). Also called: FAMILIAL RECURRENT ARTHRITIS; PAPA SYNDROME. Identifiers: Orphanet 69126, MedGen C1858361, MONDO:0011462, OMIM 604416.

Allele frequency attached by ClinVar (database versions not stated): TOPMed below 0.00001; gnomAD 0.00001; gnomAD exomes 0.00002 and 0.00003; ExAC 0.00008.
gnomAD v4.1: 27 of 1,593,352 alleles (0.0017%); highest among the groups gnomAD compares: Non-Finnish European, 0.0023%; no homozygotes.

Submissions (2):

Labcorp Genetics (formerly Invitae), Labcorp
Classification: Uncertain significance for Pyogenic arthritis-pyoderma gangrenosum-acne syndrome. Last evaluated: 2026-01-09. Review status: criteria provided, single submitter. Criteria: Invitae Variant Classification Sherloc (09022015). Collection method: clinical testing. Allele origin: germline.
Comment: This sequence change falls in intron 12 of the PSTPIP1 gene. It does not directly change the encoded amino acid sequence of the PSTPIP1 protein. It affects a nucleotide within the consensus splice site. The frequency data for this variant in the population databases is considered unreliable, as metrics indicate poor data quality at this position in the gnomAD database. This variant has not been reported in the literature in individuals affected with PSTPIP1-related conditions. ClinVar contains an entry for this variant (Variation ID: 1435760). Variants that disrupt the consensus splice site are a relatively common cause of aberrant splicing (PMID: 17576681, 9536098). Algorithms developed to predict the effect of sequence changes on RNA splicing suggest that this variant is not likely to affect RNA splicing. In summary, the available evidence is currently insufficient to determine the role of this variant in disease. Therefore, it has been classified as a Variant of Uncertain Significance.

Blueprint Genetics
Classification: Uncertain significance. Last evaluated: 2019-05-07. Review status: criteria provided, single submitter. Criteria: ACMG Guidelines, 2015. Collection method: clinical testing. Allele origin: germline.

Literature cited by the submitters: PubMed 17576681 (cited by Labcorp Genetics (formerly Invitae), Labcorp); PubMed 9536098 (cited by Labcorp Genetics (formerly Invitae), Labcorp).